The following is an entry in ClinVar:

NM_001127208.3(TET2):c.370A>G (p.Asn124Asp)

Genes: TET2 (tet methylcytosine dioxygenase 2; plus strand), TET2-AS1 (TET2 antisense RNA 1; minus strand). Cytogenetic location: 4q24.
Variant type: single nucleotide variant.
Coding change: c.370A>G on transcript NM_001127208.3 (MANE Select); coding-DNA position 370, A replaced by G.
Protein change: p.Asn124Asp; replaces asparagine 124 with aspartic acid.
Molecular consequence: missense variant.
Genome position (GRCh38, 1-based): chr4:105,234,312, A>G. VCF-style: chr4-105234312-A-G. GRCh37 (hg19) VCF-style: chr4-106155469-A-G.
Other names: c.370A>G, p.Asn124Asp (NM_017628.4); short protein forms N124D.
Identifiers: ClinVar variation 3967654 (VCV003967654.1).

ClinVar aggregate classification (germline): Uncertain significance (1 of 4 stars; one submission).

gnomAD v4.1: 1 of 1,614,150 alleles (0.000062%); highest among the groups gnomAD compares: Non-Finnish European, 0.000085%; no homozygotes.

Submission:

Ambry Genetics
Classification: Uncertain significance. Last evaluated: 2025-05-21. Review status: criteria provided, single submitter. Criteria: Ambry Variant Classification Scheme 2023. Collection method: clinical testing. Allele origin: germline.
Comment: The p.N124D variant (also known as c.370A>G), located in coding exon 1 of the TET2 gene, results from an A to G substitution at nucleotide position 370. The asparagine at codon 124 is replaced by aspartic acid, an amino acid with highly similar properties. This amino acid position is conserved. In addition, this alteration is predicted to be tolerated by in silico analysis. Based on the available evidence, the clinical significance of this variant remains unclear.